The following is an entry in ClinVar:

ClinVar aggregate classification (germline): Uncertain significance. Review status: criteria provided, multiple submitters, no conflicts (2 of 4 stars). 3 submissions from 3 submitters: Uncertain significance (3). Last evaluated 2025-05-27.

Conditions:
COACH syndrome 1. Identifiers: Orphanet 1454, MedGen C5435651, MONDO:0800103, OMIM 216360, MONDO:0008996.
Meckel syndrome, type 3 (MKS3). Also called: MECKEL-GRUBER SYNDROME, TYPE 3. Identifiers: Orphanet 564, MedGen C1846357, MONDO:0011821, OMIM 607361.
Nephronophthisis 11 (NPHP11). Identifiers: Orphanet 84081, MedGen C3150796, MONDO:0013302, OMIM 613550.
Joubert syndrome 6 (JBTS6). Identifiers: Orphanet 475, MedGen C1853153, MONDO:0012539, OMIM 610688.
Bardet-Biedl syndrome 14 (BBS14). Identifiers: Orphanet 110, MedGen C2673874, MONDO:0014442, OMIM 615991.
RHYNS syndrome. Also called: RETINITIS PIGMENTOSA SYNDROME; RETINITIS PIGMENTOSA, HYPOPITUITARISM, NEPHRONOPHTHISIS, AND MILD SKELETAL DYSPLASIA. Identifiers: Orphanet 140976, MedGen C1865794, MONDO:0011202, OMIM 602152.
TMEM67-related disorder. Also called: TMEM67-related condition; TMEM67-related disorders. Identifiers: MedGen CN239423.

gnomAD v4.1: 5 of 1,612,934 alleles (0.00031%); highest among the groups gnomAD compares: Admixed American, 0.0083%; no homozygotes.

Submissions (3):

PreventionGenetics, part of Exact Sciences
Classification: Uncertain significance for TMEM67-related condition. Last evaluated: 2025-05-27. Review status: criteria provided, single submitter. Criteria: ACMG Guidelines, 2015. Collection method: clinical testing. Allele origin: germline.
Comment: The TMEM67 c.1942G>T variant is predicted to result in the amino acid substitution p.Val648Phe. To our knowledge, this variant has not been reported in the literature. This variant is reported in 0.0087% of alleles in individuals of Latino descent in gnomAD. At this time, the clinical significance of this variant is uncertain due to the absence of conclusive functional and genetic evidence.

Fulgent Genetics
Classification: Uncertain significance for COACH syndrome 1; RHYNS syndrome; Meckel syndrome, type 3; Joubert syndrome 6; Nephronophthisis 11; Bardet-Biedl syndrome 14. Last evaluated: 2024-04-09. Review status: criteria provided, single submitter. Criteria: ACMG Guidelines, 2015. Collection method: clinical testing. Allele origin: germline.

GeneDx
Classification: Uncertain significance. Last evaluated: 2023-10-03. Review status: criteria provided, single submitter. Criteria: GeneDx Variant Classification Process June 2021. Collection method: clinical testing. Allele origin: germline. Affected: yes.
Comment: Not observed at significant frequency in large population cohorts (gnomAD); In silico analysis supports that this missense variant does not alter protein structure/function; Has not been previously published as pathogenic or benign to our knowledge

NM_153704.6(TMEM67):c.1942G>T (p.Val648Phe)

Gene: TMEM67 (transmembrane protein 67; plus strand). Cytogenetic location: 8q22.1.
Variant type: single nucleotide variant.
Coding change: c.1942G>T on transcript NM_153704.6 (MANE Select); coding-DNA position 1942, G replaced by T.
Protein change: p.Val648Phe; replaces valine 648 with phenylalanine.
Molecular consequence: missense variant. On other transcripts: non-coding transcript variant (1).
Genome position (GRCh38, 1-based): chr8:93,797,215, G>T. VCF-style: chr8-93797215-G-T. GRCh37 (hg19) VCF-style: chr8-94809443-G-T.
Other names: c.1699G>T, p.Val567Phe (NM_001142301.1); short protein forms V567F, V648F.
Identifiers: ClinVar variation 2571713 (VCV002571713.4), dbSNP rs764882441, ClinGen allele CA181340784.